The following is an entry in ClinVar:

NM_001330360.2(POLA1):c.3431C>T (p.Ala1144Val)

Gene: POLA1 (DNA polymerase alpha 1, catalytic subunit; plus strand). Cytogenetic location: Xp22.11.
Variant type: single nucleotide variant.
Coding change: c.3431C>T on transcript NM_001330360.2 (MANE Select); coding-DNA position 3431, C replaced by T.
Protein change: p.Ala1144Val; replaces alanine 1144 with valine.
Molecular consequence: missense variant. On other transcripts: non-coding transcript variant (2).
Genome position (GRCh38, 1-based): chrX:24,821,453, C>T. VCF-style: chrX-24821453-C-T. GRCh37 (hg19) VCF-style: chrX-24839570-C-T.
Other names: NC_000023.10:g.24839570C>T; c.3356C>T, p.Ala1119Val (NM_001378303.1); c.3413C>T, p.Ala1138Val (NM_016937.4); short protein forms A1119V, A1138V, A1144V.
Identifiers: ClinVar variation 2632817 (VCV002632817.2), dbSNP rs1054932634, ClinGen allele CA326916201.

ClinVar aggregate classification (germline): Uncertain significance (1 of 4 stars; one submission).

Conditions:
POLA1-related disorder. Also called: POLA1-related condition.

Allele frequency attached by ClinVar (database versions not stated): gnomAD exomes below 0.00001; gnomAD 0.00001; TOPMed 0.00002.
gnomAD v4.1: 2 of 1,199,493 alleles (0.00017%); highest among the groups gnomAD compares: Admixed American, 0.0022%; no homozygotes.

Submissions (2):

PreventionGenetics, part of Exact Sciences
Classification: Uncertain significance for POLA1-related condition. Last evaluated: 2023-05-18. Review status: criteria provided, single submitter. Criteria: ACMG Guidelines, 2015. Collection method: clinical testing. Allele origin: germline.
Comment: The POLA1 c.3413C>T variant is predicted to result in the amino acid substitution p.Ala1138Val. To our knowledge, this variant has not been reported in the literature. This variant is reported in 0.0039% of alleles in individuals of Latino descent in gnomAD. At this time, the clinical significance of this variant is uncertain due to the absence of conclusive functional and genetic evidence.

Dr. Peter K. Rogan Lab, Western University
No classification provided (evidence only). Condition: Nonpapillary renal cell carcinoma. Review status: no classification provided. Collection method: in vitro. Allele origin: not applicable. Functional consequence: retained intron. Not counted in ClinVar's aggregate classification.